The following is an entry in ClinVar:

NM_001605.3(AARS1):c.706A>G (p.Lys236Glu)

Gene: AARS1 (alanyl-tRNA synthetase 1; minus strand). Cytogenetic location: 16q22.1.
Variant type: single nucleotide variant.
Coding change: c.706A>G on transcript NM_001605.3 (MANE Select); coding-DNA position 706, A replaced by G.
Protein change: p.Lys236Glu; replaces lysine 236 with glutamic acid.
Molecular consequence: missense variant.
Genome position (GRCh38, 1-based): chr16:70,270,306, T>C on the plus strand (A>G on the coding strand, the complement: AARS1 is on the minus strand). VCF-style: chr16-70270306-T-C. GRCh37 (hg19) VCF-style: chr16-70304209-T-C.
Other names: short protein forms K236E.
Identifiers: ClinVar variation 2920585 (VCV002920585.3), dbSNP rs1445416728, ClinGen allele CA396565609.

ClinVar aggregate classification (germline): Uncertain significance (1 of 4 stars; one submission).

Conditions:
Charcot-Marie-Tooth disease type 2. Also called: Charcot-Marie-Tooth type 2. Identifiers: Orphanet 64746, MedGen C0270914, MONDO:0018993.

Allele frequency attached by ClinVar (database versions not stated): TOPMed below 0.00001; gnomAD exomes below 0.00001.
gnomAD v4.1: 2 of 1,614,184 alleles (0.00012%); highest among the groups gnomAD compares: Admixed American, 0.0033%; no homozygotes.

Submission:

Labcorp Genetics (formerly Invitae), Labcorp
Classification: Uncertain significance for Charcot-Marie-Tooth disease type 2. Last evaluated: 2023-07-22. Review status: criteria provided, single submitter. Criteria: Invitae Variant Classification Sherloc (09022015). Collection method: clinical testing. Allele origin: germline.
Comment: This variant is present in population databases (no rsID available, gnomAD 0.006%). This sequence change replaces lysine, which is basic and polar, with glutamic acid, which is acidic and polar, at codon 236 of the AARS protein (p.Lys236Glu). This variant has not been reported in the literature in individuals affected with AARS-related conditions. Advanced modeling of protein sequence and biophysical properties (such as structural, functional, and spatial information, amino acid conservation, physicochemical variation, residue mobility, and thermodynamic stability) has been performed at Invitae for this missense variant, however the output from this modeling did not meet the statistical confidence thresholds required to predict the impact of this variant on AARS protein function. In summary, the available evidence is currently insufficient to determine the role of this variant in disease. Therefore, it has been classified as a Variant of Uncertain Significance.